The following is an entry in ClinVar:

ClinVar aggregate classification (germline): Pathogenic. Review status: criteria provided, single submitter (1 of 4 stars). 2 submissions from 2 submitters: Pathogenic (1). 1 of the submissions does not count toward it. Last evaluated 2024-11-05.

Conditions:
Metaphyseal chondrodysplasia, Schmid type (MCDS). Also called: SPONDYLOMETAPHYSEAL DYSPLASIA, JAPANESE TYPE. Identifiers: Orphanet 174, MedGen C0265289, MONDO:0007983, OMIM 156500.

Submissions (2):

Labcorp Genetics (formerly Invitae), Labcorp
Classification: Pathogenic. Last evaluated: 2024-11-05. Review status: criteria provided, single submitter. Criteria: Invitae Variant Classification Sherloc (09022015). Collection method: clinical testing. Allele origin: germline.
Comment: This sequence change creates a premature translational stop signal (p.Tyr623Metfs*51) in the COL10A1 gene. While this is not anticipated to result in nonsense mediated decay, it is expected to disrupt the last 58 amino acid(s) of the COL10A1 protein. This variant is not present in population databases (gnomAD no frequency). This premature translational stop signal has been observed in individual(s) with autosomal dominant Schmid metaphyseal chondrodysplasia (PMID: 8012364). It has also been observed to segregate with disease in related individuals. This variant is also known as 1963del10, NC1del10, or Y623fsX673. ClinVar contains an entry for this variant (Variation ID: 1427331). Algorithms developed to predict the effect of variants on gene product structure and function are not available or were not evaluated for this variant. Experimental studies have shown that this premature translational stop signal affects COL10A1 function (PMID: 11805116, 15695517, 20872587). For these reasons, this variant has been classified as Pathogenic.

OMIM
Classification: Pathogenic for METAPHYSEAL CHONDRODYSPLASIA, SCHMID TYPE. Last evaluated: 1994-03-01. Review status: no assertion criteria provided. Collection method: literature only. Allele origin: germline. Not counted in ClinVar's aggregate classification.

Literature cited by the submitters: PubMed 8012364 (cited by Labcorp Genetics (formerly Invitae), Labcorp and OMIM); PubMed 11805116 (cited by Labcorp Genetics (formerly Invitae), Labcorp); PubMed 15695517 (cited by Labcorp Genetics (formerly Invitae), Labcorp); PubMed 20872587 (cited by Labcorp Genetics (formerly Invitae), Labcorp); PubMed 8220429 (cited by OMIM).

NM_000493.4(COL10A1):c.1867_1876del (p.Tyr623fs)

Genes: COL10A1 (collagen type X alpha 1 chain; minus strand), NT5DC1 (5'-nucleotidase domain containing 1; plus strand). Cytogenetic location: 6q22.1.
Variant type: Deletion.
Coding change: c.1867_1876del on transcript NM_000493.4 (MANE Select); coding-DNA positions 1867 to 1876, 10 bases deleted (TACACCTATG; older notation c.1867_1876delTACACCTATG).
Protein change: p.Tyr623fs; shifts the reading frame from tyrosine 623.
Molecular consequence: frameshift variant. On other transcripts: intron variant (1).
Genome position (GRCh38, 1-based): chr6:116,120,240-116,120,249, CATAGGTGTA deleted on the plus strand (TACACCTATG on the coding strand, the reverse complement: COL10A1 is on the minus strand); deleting any 10 consecutive bases within chr6:116,120,240-116,120,252 gives the same sequence; the c. name uses the placement nearest the transcript's 3' end. VCF-style (leftmost placement, unchanged base first): chr6-116120239-TCATAGGTGTA-T. GRCh37 (hg19) VCF-style: chr6-116441402-TCATAGGTGTA-T.
Other names: 10-BP DEL, NT1867; c.529+2298_529+2307del (NM_152729.3); c.1867_1876del, p.Tyr623fs (NM_001424106.1, NM_001424107.1); short protein forms Y623fs.
Identifiers: ClinVar variation 1427331 (VCV001427331.7), dbSNP rs2114277685, ClinGen allele CA2573140417.